The following is an entry in ClinVar:

NM_001122764.3(PPOX):c.1390C>T (p.Arg464Cys)

Gene: PPOX (protoporphyrinogen oxidase; plus strand). Cytogenetic location: 1q23.3.
Variant type: single nucleotide variant.
Coding change: c.1390C>T on transcript NM_001122764.3 (MANE Select); coding-DNA position 1390, C replaced by T.
Protein change: p.Arg464Cys; replaces arginine 464 with cysteine.
Molecular consequence: missense variant.
Genome position (GRCh38, 1-based): chr1:161,171,132, C>T. VCF-style: chr1-161171132-C-T. GRCh37 (hg19) VCF-style: chr1-161140922-C-T.
Other names: c.1390C>T, p.Arg464Cys (NM_000309.5, NM_001365398.1); c.1291C>T, p.Arg431Cys (NM_001350128.2); c.982C>T, p.Arg328Cys (NM_001350129.2, NM_001365400.1); c.904C>T, p.Arg302Cys (NM_001350130.2, NM_001350131.2, NM_001365401.1); c.1279C>T, p.Arg427Cys (NM_001365399.1); short protein forms R302C, R328C, R427C, R431C, R464C.
Identifiers: ClinVar variation 3000073 (VCV003000073.3), dbSNP rs147480828, ClinGen allele CA1207436.

ClinVar aggregate classification (germline): Uncertain significance (1 of 4 stars; one submission).

Allele frequency attached by ClinVar (database versions not stated): ExAC 0.00001; gnomAD exomes 0.00001; gnomAD 0.00003; ESP Exome Variant Server 0.00008; TOPMed 0.00008.
gnomAD v4.1: 16 of 1,613,576 alleles (0.00099%); highest among the groups gnomAD compares: African/African-American, 0.0067%; no homozygotes.

Submission:

Labcorp Genetics (formerly Invitae), Labcorp
Classification: Uncertain significance. Last evaluated: 2022-12-30. Review status: criteria provided, single submitter. Criteria: Invitae Variant Classification Sherloc (09022015). Collection method: clinical testing. Allele origin: germline.
Comment: This variant is present in population databases (rs147480828, gnomAD 0.003%). In summary, the available evidence is currently insufficient to determine the role of this variant in disease. Therefore, it has been classified as a Variant of Uncertain Significance. Algorithms developed to predict the effect of missense changes on protein structure and function (SIFT, PolyPhen-2, Align-GVGD) all suggest that this variant is likely to be disruptive. This variant has not been reported in the literature in individuals affected with PPOX-related conditions. This sequence change replaces arginine, which is basic and polar, with cysteine, which is neutral and slightly polar, at codon 464 of the PPOX protein (p.Arg464Cys).